The following is an entry in ClinVar:

NM_003106.4(SOX2):c.53C>A (p.Ser18Ter)

Genes: SOX2-OT (SOX2 overlapping transcript; plus strand), SOX2 (SRY-box transcription factor 2; plus strand), LOC108281177 (SOX2 5' regulatory region; plus strand). Cytogenetic location: 3q26.33.
Variant type: single nucleotide variant.
Coding change: c.53C>A on transcript NM_003106.4 (MANE Select); coding-DNA position 53, C replaced by A.
Protein change: p.Ser18Ter; replaces serine 18 with a stop codon.
Molecular consequence: nonsense.
Genome position (GRCh38, 1-based): chr3:181,712,413, C>A. VCF-style: chr3-181712413-C-A. GRCh37 (hg19) VCF-style: chr3-181430201-C-A.
Other names: short protein forms S18*.
Identifiers: ClinVar variation 855754 (VCV000855754.1), dbSNP rs750091101, ClinGen allele CA2717231.
Genomic context (GRCh38, chr3:181,712,413, plus strand): 5'-GCGCCCGCATGTACAACATGATGGAGACGGAGCTGAAGCCGCCGGGCCCGCAGCAAACTT[C>A]GGGGGGCGGCGGCGGCAACTCCACCGCGGCGGCGGCCGGCGGCAACCAGAAAAACAGCCC-3'

ClinVar aggregate classification (germline): Pathogenic (1 of 4 stars; one submission).

Conditions:
Anophthalmia/microphthalmia-esophageal atresia syndrome (MCOPS3). Also called: SOX2 Disorder; MICROPHTHALMIA AND ESOPHAGEAL ATRESIA SYNDROME; AEG SYNDROME. Identifiers: Orphanet 77298, MedGen C1859773, MONDO:0008799, OMIM 206900.

Allele frequency attached by ClinVar (database versions not stated): gnomAD 0.00001; gnomAD exomes 0.00001 and 0.00002; TOPMed 0.00001; ExAC 0.00006.
gnomAD v4.1: 5 of 1,593,038 alleles (0.00031%); highest among the groups gnomAD compares: Admixed American, 0.0088%; no homozygotes.

Submission:

Labcorp Genetics (formerly Invitae), Labcorp
Classification: Pathogenic for Microphthalmia syndromic 3. Last evaluated: 2019-12-19. Review status: criteria provided, single submitter. Criteria: Invitae Variant Classification Sherloc (09022015). Collection method: clinical testing. Allele origin: germline.
Comment: This sequence change results in a premature translational stop signal in the SOX2 gene (p.Ser18*). While this is not anticipated to result in nonsense mediated decay, it is expected to disrupt the last 300 amino acids of the SOX2 protein. The frequency data for this variant in the population databases is considered unreliable, as metrics indicate poor data quality at this position in the ExAC database. This variant has been observed in individual(s) with bilateral anophthalmia (PMID: 17522144, 25542770). In at least one individual the variant was observed to be de novo. This variant disrupts the C-terminus of the SOX2 protein. Other variant(s) that disrupt this region (p.Gly31Alafs*23, p.Asn24Argfs*65) have been determined to be pathogenic (PMID: 18285410, 24804704, 26250054, 27206652, Invitae). This suggests that variants that disrupt this region of the protein are likely to be causative of disease. For these reasons, this variant has been classified as Pathogenic.

Literature cited by the submitters: PubMed 26250054; PubMed 25542770; PubMed 17522144; PubMed 24804704; PubMed 18285410; PubMed 27206652.